The following is an entry in ClinVar:

ClinVar aggregate classification (germline): Uncertain significance. Review status: criteria provided, multiple submitters, no conflicts (2 of 4 stars). 4 submissions from 4 submitters: Uncertain significance (4). Last evaluated 2025-02-28.

Conditions:
Polycystic kidney disease, adult type (PKD1). Also called: Polycystic Kidney, Autosomal Dominant; POLYCYSTIC KIDNEY DISEASE, ADULT, TYPE I; Polycystic Kidney Disease 1, Autosomal Dominant; Polycystic kidney disease 1; Polycystic kidney disease 1, severe; POLYCYSTIC KIDNEY DISEASE 1 WITH OR WITHOUT POLYCYSTIC LIVER DISEASE. Identifiers: MedGen C3149841, MONDO:0008263, OMIM 173900.
Inborn genetic diseases. Identifiers: MedGen C0950123, MeSH D030342.

Allele frequency attached by ClinVar (database versions not stated): gnomAD exomes 0.00001 and 0.00002; TOPMed 0.00002; gnomAD 0.00003.
gnomAD v4.1: 27 of 1,609,470 alleles (0.0017%); highest among the groups gnomAD compares: South Asian, 0.011%; no homozygotes.

Submissions (4):

Ambry Genetics
Classification: Uncertain significance for Inborn genetic diseases. Last evaluated: 2025-02-28. Review status: criteria provided, single submitter. Criteria: Ambry Variant Classification Scheme 2023. Collection method: clinical testing. Allele origin: germline.

Department of Pathology and Laboratory Medicine, Sinai Health System
Classification: Uncertain significance for Polycystic kidney disease, adult type. Last evaluated: 2022-05-03. Review status: criteria provided, single submitter. Criteria: ACMG Guidelines, 2015. Collection method: research. Allele origin: germline.

Fulgent Genetics
Classification: Uncertain significance for Polycystic kidney disease, adult type. Last evaluated: 2022-03-16. Review status: criteria provided, single submitter. Criteria: ACMG Guidelines, 2015. Collection method: clinical testing. Allele origin: unknown.

Centre for Mendelian Genomics, University Medical Centre Ljubljana
Classification: Uncertain significance for Polycystic kidney disease, adult type. Last evaluated: 2016-01-01. Review status: criteria provided, single submitter. Criteria: ACMG Guidelines, 2015. Collection method: clinical testing. Allele origin: unknown. Affected: yes.
Comment: This variant was classified as: Uncertain significance. The following ACMG criteria were applied in classifying this variant: PM2.

NM_001009944.3(PKD1):c.5071G>A (p.Gly1691Ser)

Gene: PKD1 (polycystin 1, transient receptor potential channel interacting; minus strand). Cytogenetic location: 16p13.3.
Variant type: single nucleotide variant.
Coding change: c.5071G>A on transcript NM_001009944.3 (MANE Select); coding-DNA position 5071, G replaced by A.
Protein change: p.Gly1691Ser; replaces glycine 1691 with serine.
Molecular consequence: missense variant.
Genome position (GRCh38, 1-based): chr16:2,110,096, C>T on the plus strand (G>A on the coding strand, the complement: PKD1 is on the minus strand). VCF-style: chr16-2110096-C-T. GRCh37 (hg19) VCF-style: chr16-2160097-C-T.
Other names: c.5071G>A, p.Gly1691Ser (NM_000296.4); c.5071G>A (NM_000296.3); short protein forms G1691S.
Identifiers: ClinVar variation 930338 (VCV000930338.5), dbSNP rs552542784, ClinGen allele CA7832131.